The following is an entry in ClinVar:

ClinVar aggregate classification (germline): Uncertain significance (1 of 4 stars; one submission).

Conditions:
Aortic aneurysm, familial thoracic 7 (AAT7). Also called: AORTIC DISSECTION, FAMILIAL, WITH OR WITHOUT AORTIC ANEURYSM. Identifiers: MedGen C3151077, MONDO:0013418, OMIM 613780.

gnomAD v4.1: 9 of 1,613,810 alleles (0.00056%); highest among the groups gnomAD compares: African/African-American, 0.0027%; no homozygotes.

Submission:

Labcorp Genetics (formerly Invitae), Labcorp
Classification: Uncertain significance for Aortic aneurysm, familial thoracic 7. Last evaluated: 2024-12-07. Review status: criteria provided, single submitter. Criteria: Invitae Variant Classification Sherloc (09022015). Collection method: clinical testing. Allele origin: germline.
Comment: This sequence change replaces arginine, which is basic and polar, with histidine, which is basic and polar, at codon 954 of the MYLK protein (p.Arg954His). This variant is present in population databases (rs191784247, gnomAD 0.007%). This variant has not been reported in the literature in individuals affected with MYLK-related conditions. Invitae Evidence Modeling of protein sequence and biophysical properties (such as structural, functional, and spatial information, amino acid conservation, physicochemical variation, residue mobility, and thermodynamic stability) has been performed for this missense variant. However, the output from this modeling did not meet the statistical confidence thresholds required to predict the impact of this variant on MYLK protein function. In summary, the available evidence is currently insufficient to determine the role of this variant in disease. Therefore, it has been classified as a Variant of Uncertain Significance.

NM_053025.4(MYLK):c.2861G>A (p.Arg954His)

Gene: MYLK (myosin light chain kinase; minus strand). Cytogenetic location: 3q21.1.
Variant type: single nucleotide variant.
Coding change: c.2861G>A on transcript NM_053025.4 (MANE Select); coding-DNA position 2861, G replaced by A.
Protein change: p.Arg954His; replaces arginine 954 with histidine.
Molecular consequence: missense variant.
Genome position (GRCh38, 1-based): chr3:123,700,607, C>T on the plus strand (G>A on the coding strand, the complement: MYLK is on the minus strand). VCF-style: chr3-123700607-C-T. GRCh37 (hg19) VCF-style: chr3-123419454-C-T.
Other names: c.2333G>A, p.Arg778His (NM_001321309.2); c.2654G>A, p.Arg885His (NM_053026.4, NM_053028.4); c.2861G>A, p.Arg954His (NM_053027.4); short protein forms R954H, R885H, R778H.
Identifiers: ClinVar variation 3672587 (VCV003672587.1).